The following is an entry in ClinVar:

ClinVar aggregate classification (germline): Conflicting classifications of pathogenicity. Review status: criteria provided, conflicting classifications (1 of 4 stars). 2 submissions from 2 submitters: Uncertain significance (1); Benign (1). Last evaluated 2023-01-01.

Conditions:
Primary dilated cardiomyopathy (DCM). Also called: Dilated Cardiomyopathy. Identifiers: Orphanet 217604, MedGen C0007193, MeSH D002311, MONDO:0005021, HP:0001644. Inheritance: Various modes of inheritance.

Allele frequency attached by ClinVar (database versions not stated): 1000 Genomes Project 0.00060; 1000 Genomes Project 30x 0.00062; gnomAD 0.00168 and 0.00174; gnomAD exomes 0.00178; TOPMed 0.00190.
gnomAD v4.1: 548 of 311,334 alleles (0.18%); highest among the groups gnomAD compares: Middle Eastern, 0.22%; 1 homozygote.

Submissions (2):

CeGaT Center for Human Genetics Tuebingen
Classification: Benign. Last evaluated: 2023-01-01. Review status: criteria provided, single submitter. Criteria: CeGaT Center For Human Genetics Tuebingen Variant Classification Criteria Version 2. Collection method: clinical testing. Allele origin: germline. Affected: yes. Observed: 1 variant allele.
Comment: ANKRD1: BS1, BS2

Illumina Laboratory Services, Illumina
Classification: Uncertain significance for Primary dilated cardiomyopathy. Last evaluated: 2018-01-13. Review status: criteria provided, single submitter. Criteria: ICSL Variant Classification Criteria 13 December 2019. Collection method: clinical testing. Allele origin: germline.

NM_014391.3(ANKRD1):c.*343A>G

Gene: ANKRD1 (ankyrin repeat domain 1; minus strand). Cytogenetic location: 10q23.31.
Variant type: single nucleotide variant.
Coding change: c.*343A>G on transcript NM_014391.3 (MANE Select); 343 bases downstream of the stop codon, A replaced by G.
Molecular consequence: 3 prime UTR variant.
Genome position (GRCh38, 1-based): chr10:90,912,523, T>C on the plus strand (A>G on the coding strand, the complement: ANKRD1 is on the minus strand). VCF-style: chr10-90912523-T-C. GRCh37 (hg19) VCF-style: chr10-92672280-T-C.
Identifiers: ClinVar variation 301599 (VCV000301599.33), dbSNP rs41286920, ClinGen allele CA10629467.